The following is an entry in ClinVar:

ClinVar aggregate classification (germline): Pathogenic/Likely pathogenic. Review status: criteria provided, multiple submitters, no conflicts (2 of 4 stars). 7 submissions from 7 submitters: Pathogenic (4); Likely pathogenic (2). 1 of the submissions does not count toward it. Last evaluated 2025-11-05.

Conditions:
Propionic acidemia (PROP). Also called: GLYCINEMIA, KETOTIC; HYPERGLYCINEMIA WITH KETOACIDOSIS AND LEUKOPENIA; KETOTIC HYPERGLYCINEMIA. Identifiers: Orphanet 35, MedGen C0268579, MONDO:0011628, OMIM 606054, HP:0003571.

Submissions (7):

Labcorp Genetics (formerly Invitae), Labcorp
Classification: Pathogenic for Propionic acidemia. Last evaluated: 2025-11-05. Review status: criteria provided, single submitter. Criteria: Invitae Variant Classification Sherloc (09022015). Collection method: clinical testing. Allele origin: germline.
Comment: This sequence change falls in intron 21 of the PCCA gene. It does not directly change the encoded amino acid sequence of the PCCA protein. RNA analysis indicates that this variant induces altered splicing and likely results in a shortened protein product. This variant is present in population databases (rs794727334, gnomAD 0.03%). This variant has been observed in individual(s) with propionic acidemia (PMID: 9385377, 10101253, 10780784, 22033733). This variant is also known as 1824IVS+3del4 and IVS21+3del4. ClinVar contains an entry for this variant (Variation ID: 195560). Variants that disrupt the consensus splice site are a relatively common cause of aberrant splicing (PMID: 17576681, 9536098). Studies have shown that this variant results in skipping of 21, but is expected to preserve the integrity of the reading-frame (PMID: 9385377, 15235904). For these reasons, this variant has been classified as Pathogenic.

Natera, Inc.
Classification: Pathogenic for Propionic acidemia. Last evaluated: 2025-08-27. Review status: criteria provided, single submitter. Criteria: Natera Variant Classification Schema (03/2026). Collection method: clinical testing. Allele origin: germline.
Comment: The c.1899+4_1899+7delAGTA variant in PCCA is a frameshift variant predicted to shift the reading frame and introduce a stop codon. This variant is rare in the general population with a frequency below the threshold expected for the associated phenotype(s). This variant has been observed in one or more individuals affected with the associated recessive disease, as either homozygous or compound heterozygous with a second variant (PMID: 9385377, 22033733, 33473339, 38200289). Functional studies show that this variant may disrupt protein function (PMID: 9385377, 15235904, 12385775). This variant results in a change to the protein length while preserving reading frame, which may disrupt normal protein structure or function. Computational prediction algorithms indicate this variant is likely to affect gene or protein function. Given the available evidence, this variant is classified as Pathogenic.

Women's Health and Genetics/Laboratory Corporation of America, LabCorp
Classification: Pathogenic for Propionic acidemia. Last evaluated: 2022-06-24. Review status: criteria provided, single submitter. Criteria: LabCorp Variant Classification Summary - May 2015. Collection method: clinical testing. Allele origin: germline.
Comment: Variant summary: PCCA c.1899+4_1899+7delAGTA alters a conserved nucleotide located close to a canonical splice site and therefore could affect mRNA splicing, leading to a significantly altered protein sequence. At least one publication reports experimental evidence that this variant affects mRNA splicing. In functional studies, the variant resulted in an in-frame deletion of 18 amino acids as a result of exon skipping (Richard_1997, Clavero_2004). It was also reported that small levels of (3-16%) of correctly spliced transcript were found in a homozygous patient, which was sufficient to permit the development of a mild phenotype (Clavero_2004). The variant allele was found at a frequency of 5.9e-05 in 152424 control chromosomes (gnomAD). c.1899+4_1899+7delAGTA has been reported in the literature in multiple individuals affected with Propionic Acidemia (Richard_1997, Kraus_2012, Stanescu_2021). These data indicate that the variant is very likely to be associated with disease. Two assessments for this variant have been submitted to ClinVar after 2014. One submitter classified the variant as pathogenic and the other classified it as likely pathogenic. Based on the evidence outlined above, the variant was classified as pathogenic.

Fulgent Genetics
Classification: Likely pathogenic for Propionic acidemia. Last evaluated: 2022-03-29. Review status: criteria provided, single submitter. Criteria: ACMG Guidelines, 2015. Collection method: clinical testing. Allele origin: unknown.

Rady Children's Institute for Genomic Medicine, Rady Children's Hospital San Diego
Classification: Likely pathogenic for PROPIONIC ACIDEMIA. Last evaluated: 2020-06-26. Review status: criteria provided, single submitter. Criteria: ACMG Guidelines, 2015. Collection method: clinical testing. Allele origin: germline. Affected: yes.
Comment: This variant is a 4 bp deletion starting at position +4 of intron 21 of the PCCA gene and is predicted to affect native splicing by in-silico tools. This variant, named 1824IVS+3del4, has been previously reported as a homozygous change in an individual with propionic acidemia and moderate psychomotor delay (PMID: 10780784, 9385377). The PCC enzyme activity in the patient's fibroblasts was significantly lower than the normal control (PMID: 10780784). The c.1899+4_1899+7del is also reported in the literature as IVS21+3del4 (PMID: 15235904). Splicing studies in patient's fibroblasts demonstrated that this variant leads to skipping of exon 21 and residual low levels of normal splicing (PMID: 9385377, 15235904). It is present in the heterozygous state in the gnomAD population database at a frequency of 0.0059% (9/152424) and thus is presumed to be rare. Based on the available evidence, the c.1899+4_1899+7del variant is classified as Likely Pathogenic.

Eurofins Ntd Llc (ga)
Classification: Pathogenic. Last evaluated: 2014-12-02. Review status: criteria provided, single submitter. Criteria: EGL Classification Definitions 2015. Collection method: clinical testing. Allele origin: germline. Observed: 2 variant alleles, 1 heterozygote, 1 homozygote.

OMIM
Classification: Pathogenic for PROPIONIC ACIDEMIA. Last evaluated: 2004-08-01. Review status: no assertion criteria provided. Collection method: literature only. Allele origin: germline. Not counted in ClinVar's aggregate classification.

Literature cited by the submitters: PubMed 9385377 (cited by 5 submitters); PubMed 10101253 (cited by Labcorp Genetics (formerly Invitae), Labcorp and Women's Health and Genetics/Laboratory Corporation of America, LabCorp); PubMed 10780784 (cited by 3 submitters); PubMed 22033733 (cited by 3 submitters); PubMed 17576681 (cited by Labcorp Genetics (formerly Invitae), Labcorp); PubMed 9536098 (cited by Labcorp Genetics (formerly Invitae), Labcorp); PubMed 15235904 (cited by 5 submitters); PubMed 33473339 (cited by Natera, Inc. and Women's Health and Genetics/Laboratory Corporation of America, LabCorp); PubMed 38200289 (cited by Natera, Inc.); PubMed 12385775 (cited by Natera, Inc. and Eurofins Ntd Llc (ga)); PubMed 23348723 (cited by Women's Health and Genetics/Laboratory Corporation of America, LabCorp); PubMed 6790853 (cited by OMIM).

NM_000282.4(PCCA):c.1899+4_1899+7del

Gene: PCCA (propionyl-CoA carboxylase subunit alpha; plus strand). Cytogenetic location: 13q32.3.
Variant type: Deletion.
Coding change: c.1899+4_1899+7del on transcript NM_000282.4 (MANE Select); bases 4 to 7 of the intron after coding-DNA position 1899, 4 bases deleted (AGTA; older notation c.1899+4_1899+7delAGTA).
Molecular consequence: splice donor variant. On other transcripts: intron variant (2).
Genome position (GRCh38, 1-based): chr13:100,449,309-100,449,312, AGTA deleted; deleting any 4 consecutive bases within chr13:100,449,306-100,449,312 gives the same sequence; the c. name uses the placement nearest the transcript's 3' end. VCF-style (leftmost placement, unchanged base first): chr13-100449305-GGTAA-G. GRCh37 (hg19) VCF-style: chr13-101101559-GGTAA-G.
Other names: c.1899+4_1899+7delAGTA (NM_000282.3); c.1899+4_1899+7del (NM_001178004.2, NM_001352609.2); c.1845+23578_1845+23581del (NM_001352605.2); c.1755+4_1755+7del (NM_001352606.2); c.954+4_954+7del (NM_001352610.2); c.900+23578_900+23581del (NM_001352611.2); c.810+4_810+7del (NM_001352612.2); c.1821+4_1821+7del (NM_001127692.3, NM_001352607.2); and 1 more.
Identifiers: ClinVar variation 195560 (VCV000195560.21), dbSNP rs794727334, ClinGen allele CA278506.